The following is an entry in ClinVar:

ClinVar aggregate classification (germline): Uncertain significance. Review status: criteria provided, multiple submitters, no conflicts (2 of 4 stars). 3 submissions from 3 submitters: Uncertain significance (3). Last evaluated 2025-11-20.

Conditions:
Hereditary cancer-predisposing syndrome. Also called: Hereditary Cancer Syndrome; Neoplastic Syndromes, Hereditary; Tumor predisposition; Hereditary neoplastic syndrome. Identifiers: Orphanet 140162, MedGen C0027672, MeSH D009386, MONDO:0015356.
Fanconi anemia complementation group J. Also called: BRIP1-Related Fanconi Anemia. Identifiers: Orphanet 84, MedGen C1836860, MONDO:0012187, OMIM 609054.
Familial cancer of breast. Also called: Hereditary breast cancer; hereditary breast carcinoma; BREAST CANCER, FAMILIAL. Identifiers: Orphanet 227535, MedGen C0346153, MONDO:0016419, OMIM 114480. Disease mechanism: loss of function.

Submissions (3):

Labcorp Genetics (formerly Invitae), Labcorp
Classification: Uncertain significance for Familial cancer of breast; Fanconi anemia complementation group J. Last evaluated: 2025-11-20. Review status: criteria provided, single submitter. Criteria: Invitae Variant Classification Sherloc (09022015). Collection method: clinical testing. Allele origin: germline.
Comment: This sequence change replaces lysine, which is basic and polar, with glutamine, which is neutral and polar, at codon 297 of the BRIP1 protein (p.Lys297Gln). This variant is not present in population databases (gnomAD no frequency). This variant has not been reported in the literature in individuals affected with BRIP1-related conditions. ClinVar contains an entry for this variant (Variation ID: 230369). Invitae Evidence Modeling of protein sequence and biophysical properties (such as structural, functional, and spatial information, amino acid conservation, physicochemical variation, residue mobility, and thermodynamic stability) has been performed for this missense variant. However, the output from this modeling did not meet the statistical confidence thresholds required to predict the impact of this variant on BRIP1 protein function. In summary, the available evidence is currently insufficient to determine the role of this variant in disease. Therefore, it has been classified as a Variant of Uncertain Significance.

Ambry Genetics
Classification: Uncertain significance for Hereditary cancer-predisposing syndrome. Last evaluated: 2025-05-19. Review status: criteria provided, single submitter. Criteria: Ambry Variant Classification Scheme 2023. Collection method: clinical testing. Allele origin: germline.
Comment: The p.K297Q variant (also known as c.889A>C), located in coding exon 6 of the BRIP1 gene, results from an A to C substitution at nucleotide position 889. The lysine at codon 297 is replaced by glutamine, an amino acid with similar properties. This amino acid position is not well conserved in available vertebrate species. In addition, this alteration is predicted to be tolerated by in silico analysis. Since supporting evidence is limited at this time, the clinical significance of this alteration remains unclear.

Color Diagnostics, LLC DBA Color Health
Classification: Uncertain significance for Hereditary cancer-predisposing syndrome. Last evaluated: 2023-12-05. Review status: criteria provided, single submitter. Criteria: ACMG Guidelines, 2015. Collection method: clinical testing. Allele origin: germline.
Comment: This missense variant replaces lysine with glutamine at codon 297 of the BRIP1 protein. Computational prediction suggests that this variant may not impact protein structure and function (internally defined REVEL score threshold <= 0.5, PMID: 27666373). To our knowledge, functional studies have not been reported for this variant. This variant has not been reported in individuals affected with BRIP1-related disorders in the literature. This variant has not been identified in the general population by the Genome Aggregation Database (gnomAD). The available evidence is insufficient to determine the role of this variant in disease conclusively. Therefore, this variant is classified as a Variant of Uncertain Significance.

NM_032043.3(BRIP1):c.889A>C (p.Lys297Gln)

Gene: BRIP1 (BRCA1 interacting DNA helicase 1; minus strand). Cytogenetic location: 17q23.2.
Variant type: single nucleotide variant.
Coding change: c.889A>C on transcript NM_032043.3 (MANE Select); coding-DNA position 889, A replaced by C.
Protein change: p.Lys297Gln; replaces lysine 297 with glutamine.
Molecular consequence: missense variant.
Genome position (GRCh38, 1-based): chr17:61,808,496, T>G on the plus strand (A>C on the coding strand, the complement: BRIP1 is on the minus strand). VCF-style: chr17-61808496-T-G. GRCh37 (hg19) VCF-style: chr17-59885857-T-G.
Other names: short protein forms K297Q.
Identifiers: ClinVar variation 230369 (VCV000230369.19), dbSNP rs876658528, ClinGen allele CA10580854.